The following is an entry in ClinVar:

ClinVar aggregate classification (germline): Uncertain significance. Review status: criteria provided, multiple submitters, no conflicts (2 of 4 stars). 4 submissions from 4 submitters: Uncertain significance (4). Last evaluated 2025-10-21.

Conditions:
CEP290-related disorder. Also called: CEP290-related disorders; CEP290-related condition. Identifiers: MedGen CN239314.
Nephronophthisis. Also called: Juvenile Nephronophthisis. Identifiers: Orphanet 655, MedGen C0687120, MONDO:0019005, HP:0000090.
Meckel-Gruber syndrome. Also called: DYSENCEPHALIA SPLANCHNOCYSTICA; GRUBER SYNDROME; Dysencephalia splachnocystica. Identifiers: Orphanet 564, MedGen C0265215, MONDO:0018921.
Joubert syndrome. Also called: JOUBERT-BOLTSHAUSER SYNDROME; Familial aplasia of the vermis. Identifiers: Orphanet 475, MedGen C5979921, MONDO:0018772.
Leber congenital amaurosis 10 (LCA10). Identifiers: Orphanet 65, MedGen C1857821, MONDO:0012723, OMIM 611755.
Joubert syndrome 5 (JBTS5). Identifiers: Orphanet 2318, MedGen C1857780, MONDO:0012432, OMIM 610188.
Bardet-Biedl syndrome 14 (BBS14). Identifiers: Orphanet 110, MedGen C2673874, MONDO:0014442, OMIM 615991.
Meckel syndrome, type 4 (MKS4). Also called: MECKEL-GRUBER SYNDROME, TYPE 4. Identifiers: Orphanet 564, MedGen C1970161, MONDO:0012626, OMIM 611134.
Senior-Loken syndrome 6 (SLSN6). Identifiers: Orphanet 3156, MedGen C1857779, MONDO:0012433, OMIM 610189.

Allele frequency attached by ClinVar (database versions not stated): gnomAD exomes below 0.00001.
gnomAD v4.1: 2 of 1,428,942 alleles (0.00014%); highest among the groups gnomAD compares: Admixed American, 0.0054%; no homozygotes.

Submissions (4):

PreventionGenetics, part of Exact Sciences
Classification: Uncertain significance for CEP290-related condition. Last evaluated: 2025-10-21. Review status: criteria provided, single submitter. Criteria: ACMG Guidelines, 2015. Collection method: clinical testing. Allele origin: germline.
Comment: The CEP290 c.2404G>C variant is predicted to result in the amino acid substitution p.Glu802Gln. To our knowledge, this variant has not been reported in the literature or in gnomAD, indicating this variant is rare. At this time, the clinical significance of this variant is uncertain due to the absence of conclusive functional and genetic evidence.

Labcorp Genetics (formerly Invitae), Labcorp
Classification: Uncertain significance for Joubert syndrome; Meckel-Gruber syndrome; Nephronophthisis. Last evaluated: 2025-07-13. Review status: criteria provided, single submitter. Criteria: Invitae Variant Classification Sherloc (09022015). Collection method: clinical testing. Allele origin: germline.
Comment: This sequence change replaces glutamic acid, which is acidic and polar, with glutamine, which is neutral and polar, at codon 802 of the CEP290 protein (p.Glu802Gln). This variant is not present in population databases (gnomAD no frequency). This variant has not been reported in the literature in individuals affected with CEP290-related conditions. ClinVar contains an entry for this variant (Variation ID: 1337727). Invitae Evidence Modeling of protein sequence and biophysical properties (such as structural, functional, and spatial information, amino acid conservation, physicochemical variation, residue mobility, and thermodynamic stability) indicates that this missense variant is not expected to disrupt CEP290 protein function with a negative predictive value of 80%. In summary, the available evidence is currently insufficient to determine the role of this variant in disease. Therefore, it has been classified as a Variant of Uncertain Significance.

Fulgent Genetics
Classification: Uncertain significance for Joubert syndrome 5; Senior-Loken syndrome 6; Meckel syndrome, type 4; Leber congenital amaurosis 10; Bardet-Biedl syndrome 14. Last evaluated: 2024-06-17. Review status: criteria provided, single submitter. Criteria: ACMG Guidelines, 2015. Collection method: clinical testing. Allele origin: germline.

Genetic Services Laboratory, University of Chicago
Classification: Uncertain significance. Last evaluated: 2020-10-15. Review status: criteria provided, single submitter. Criteria: ACMG Guidelines, 2015. Collection method: clinical testing. Allele origin: germline. Affected: no.
Comment: DNA sequence analysis of the CEP290 gene demonstrated a sequence change, c.2404G>C, in exon 23 that results in an amino acid change, p.Glu802Gln. This sequence change does not appear to have been previously described in patients with CEP290-related disorders and has also not been described in population databases (gnomAD, ExaC). The p.Glu802Gln change affects a moderately conserved amino acid residue located in a domain of the CEP290 protein that is not known to be functional. In-silico pathogenicity prediction tools (SIFT, PolyPhen2, Align GVGD, REVEL) provide contradictory results for the p.Glu802Gln substitution. Due to these contrasting evidences and the lack of functional studies, the clinical significance of the p.Glu802Gln change remains unknown at this time.

NM_025114.4(CEP290):c.2404G>C (p.Glu802Gln)

Gene: CEP290 (centrosomal protein 290; minus strand). Cytogenetic location: 12q21.32.
Variant type: single nucleotide variant.
Coding change: c.2404G>C on transcript NM_025114.4 (MANE Select); coding-DNA position 2404, G replaced by C.
Protein change: p.Glu802Gln; replaces glutamic acid 802 with glutamine.
Molecular consequence: missense variant.
Genome position (GRCh38, 1-based): chr12:88,109,145, C>G on the plus strand (G>C on the coding strand, the complement: CEP290 is on the minus strand). VCF-style: chr12-88109145-C-G. GRCh37 (hg19) VCF-style: chr12-88502922-C-G.
Other names: short protein forms E802Q.
Identifiers: ClinVar variation 1337727 (VCV001337727.7), dbSNP rs1326068086, ClinGen allele CA385973150.